The following is an entry in ClinVar:

NM_000059.4(BRCA2):c.1324del (p.Ser442fs)

Gene: BRCA2 (BRCA2 DNA repair associated; plus strand). Cytogenetic location: 13q13.1.
Variant type: Deletion.
Coding change: c.1324del on transcript NM_000059.4 (MANE Select); coding-DNA position 1324, one base deleted (T; older notation c.1324delT).
Protein change: p.Ser442fs; shifts the reading frame from serine 442.
Molecular consequence: frameshift variant.
Genome position (GRCh38, 1-based): chr13:32,332,802, T deleted; the last of 2 consecutive T bases (chr13:32,332,801-32,332,802); deleting either gives the same sequence. VCF-style (leftmost placement, unchanged base first): chr13-32332800-CT-C. GRCh37 (hg19) VCF-style: chr13-32906937-CT-C.
Other names: short protein forms S442fs.
Identifiers: ClinVar variation 1402908 (VCV001402908.8), dbSNP rs2137470202, ClinGen allele CA2573149357.

ClinVar aggregate classification (germline): Pathogenic. Review status: criteria provided, multiple submitters, no conflicts (2 of 4 stars). 2 submissions from 2 submitters: Pathogenic (2). Last evaluated 2021-05-07.

Conditions:
Hereditary breast ovarian cancer syndrome. Also called: Hereditary breast and ovarian cancer syndrome; BRCA1- and BRCA2-Associated Hereditary Breast and Ovarian Cancer; Breast and ovarian cancer; Hereditary breast and/or ovarian cancer syndrome; Hereditary breast and ovarian cancer syndrome (HBOC); Hereditary breast and ovarian cancer. Identifiers: Orphanet 145, MedGen C0677776, MeSH D061325, MONDO:0003582. Disease mechanism: loss of function.
Hereditary cancer-predisposing syndrome. Also called: Hereditary neoplastic syndrome; Hereditary Cancer Syndrome; Neoplastic Syndromes, Hereditary; Tumor predisposition. Identifiers: Orphanet 140162, MedGen C0027672, MeSH D009386, MONDO:0015356.

Submissions (2):

Labcorp Genetics (formerly Invitae), Labcorp
Classification: Pathogenic for Hereditary breast ovarian cancer syndrome. Last evaluated: 2021-05-07. Review status: criteria provided, single submitter. Criteria: Invitae Variant Classification Sherloc (09022015). Collection method: clinical testing. Allele origin: germline.
Comment: This sequence change creates a premature translational stop signal (p.Ser442Glnfs*18) in the BRCA2 gene. It is expected to result in an absent or disrupted protein product. Loss-of-function variants in BRCA2 are known to be pathogenic (PMID: 20104584). This variant is not present in population databases (ExAC no frequency). This variant has not been reported in the literature in individuals with BRCA2-related conditions. For these reasons, this variant has been classified as Pathogenic.

Ambry Genetics
Classification: Pathogenic for Hereditary cancer-predisposing syndrome. Last evaluated: 2021-03-17. Review status: criteria provided, single submitter. Criteria: Ambry Variant Classification Scheme 2023. Collection method: clinical testing. Allele origin: germline.
Comment: The c.1324delT pathogenic mutation, located in coding exon 9 of the BRCA2 gene, results from a deletion of one nucleotide at nucleotide position 1324, causing a translational frameshift with a predicted alternate stop codon (p.S442Qfs*18). This alteration is expected to result in loss of function by premature protein truncation or nonsense-mediated mRNA decay. As such, this alteration is interpreted as a disease-causing mutation.

Literature cited by the submitters: PubMed 20104584 (cited by Labcorp Genetics (formerly Invitae), Labcorp).